The following is an entry in ClinVar:

ClinVar aggregate classification (germline): Uncertain significance. Review status: criteria provided, multiple submitters, no conflicts (2 of 4 stars). 3 submissions from 3 submitters: Uncertain significance (2). 1 of the submissions does not count toward it. Last evaluated 2025-12-02.

Conditions:
Hereditary cancer-predisposing syndrome. Also called: Tumor predisposition; Neoplastic Syndromes, Hereditary; Hereditary Cancer Syndrome; Hereditary neoplastic syndrome. Identifiers: Orphanet 140162, MedGen C0027672, MeSH D009386, MONDO:0015356.
Ataxia-telangiectasia syndrome (AT). Also called: Cerebello-oculocutaneous telangiectasia; Immunodeficiency with ataxia telangiectasia; ATAXIA-TELANGIECTASIA, COMPLEMENTATION GROUP A; Ataxia-telangiectasia, complementation group D; AT, COMPLEMENTATION GROUP C; ATAXIA-TELANGIECTASIA, FRESNO VARIANT. Identifiers: Orphanet 100, MedGen C0004135, MONDO:0008840, OMIM 208900.

Allele frequency attached by ClinVar (database versions not stated): TOPMed below 0.00001; gnomAD 0.00001; gnomAD exomes below 0.00001.
gnomAD v4.1: 5 of 1,614,006 alleles (0.00031%); highest among the groups gnomAD compares: African/African-American, 0.0053%; no homozygotes.

Submissions (3):

Labcorp Genetics (formerly Invitae), Labcorp
Classification: Uncertain significance for Ataxia-telangiectasia syndrome. Last evaluated: 2025-12-02. Review status: criteria provided, single submitter. Criteria: Invitae Variant Classification Sherloc (09022015). Collection method: clinical testing. Allele origin: germline.
Comment: This sequence change replaces histidine, which is basic and polar, with arginine, which is basic and polar, at codon 683 of the ATM protein (p.His683Arg). This variant is present in population databases (no rsID available, gnomAD 0.007%). This variant has not been reported in the literature in individuals affected with ATM-related conditions. ClinVar contains an entry for this variant (Variation ID: 478942). Invitae Evidence Modeling of protein sequence and biophysical properties (such as structural, functional, and spatial information, amino acid conservation, physicochemical variation, residue mobility, and thermodynamic stability) indicates that this missense variant is not expected to disrupt ATM protein function with a negative predictive value of 95%. In summary, the available evidence is currently insufficient to determine the role of this variant in disease. Therefore, it has been classified as a Variant of Uncertain Significance.

Ambry Genetics
Classification: Uncertain significance for Hereditary cancer-predisposing syndrome. Last evaluated: 2024-07-19. Review status: criteria provided, single submitter. Criteria: Ambry Variant Classification Scheme 2023. Collection method: clinical testing. Allele origin: germline.
Comment: The p.H683R variant (also known as c.2048A>G), located in coding exon 12 of the ATM gene, results from an A to G substitution at nucleotide position 2048. The histidine at codon 683 is replaced by arginine, an amino acid with highly similar properties. This amino acid position is well conserved on limited sequence alignment. In addition, this alteration is predicted to be tolerated by in silico analysis. Since supporting evidence is limited at this time, the clinical significance of this alteration remains unclear.

Natera, Inc.
Classification: Uncertain significance for Ataxia-telangiectasia. Last evaluated: 2021-10-19. Review status: no assertion criteria provided. Collection method: clinical testing. Allele origin: germline. Not counted in ClinVar's aggregate classification.

NM_000051.4(ATM):c.2048A>G (p.His683Arg)

Gene: ATM (ATM serine/threonine kinase; plus strand). Cytogenetic location: 11q22.3.
Variant type: single nucleotide variant.
Coding change: c.2048A>G on transcript NM_000051.4 (MANE Select); coding-DNA position 2048, A replaced by G.
Protein change: p.His683Arg; replaces histidine 683 with arginine.
Molecular consequence: missense variant.
Genome position (GRCh38, 1-based): chr11:108,253,963, A>G. VCF-style: chr11-108253963-A-G. GRCh37 (hg19) VCF-style: chr11-108124690-A-G.
Other names: c.2048A>G, p.His683Arg (NM_001351834.2); short protein forms H683R.
Identifiers: ClinVar variation 478942 (VCV000478942.20), dbSNP rs1421091487, ClinGen allele CA382537439.